The following is an entry in ClinVar:

NM_014714.4(IFT140):c.3917C>T (p.Ala1306Val)

Gene: IFT140 (intraflagellar transport 140; minus strand). Cytogenetic location: 16p13.3.
Variant type: single nucleotide variant.
Coding change: c.3917C>T on transcript NM_014714.4 (MANE Select); coding-DNA position 3917, C replaced by T.
Protein change: p.Ala1306Val; replaces alanine 1306 with valine.
Molecular consequence: missense variant.
Genome position (GRCh38, 1-based): chr16:1,520,004, G>A on the plus strand (C>T on the coding strand, the complement: IFT140 is on the minus strand). VCF-style: chr16-1520004-G-A. GRCh37 (hg19) VCF-style: chr16-1570005-G-A.
Other names: short protein forms A1306V.
Identifiers: ClinVar variation 4746410 (VCV004746410.1).

ClinVar aggregate classification (germline): Uncertain significance (1 of 4 stars; one submission).

Conditions:
Saldino-Mainzer syndrome (SRTD9). Also called: CONORENAL SYNDROME; Renal dysplasia, retinal pigmentary dystrophy, cerebellar ataxia and skeletal dysplasia; SHORT-RIB THORACIC DYSPLASIA 9 WITHOUT POLYDACTYLY; short-rib thoracic dysplasia 9 with or without polydactyly. Identifiers: Orphanet 140969, MedGen C1849437, MONDO:0009964, OMIM 266920.

gnomAD v4.1: 48 of 1,602,386 alleles (0.003%); highest among the groups gnomAD compares: Non-Finnish European, 0.0036%; no homozygotes.

Submission:

Labcorp Genetics (formerly Invitae), Labcorp
Classification: Uncertain significance for Saldino-Mainzer syndrome. Last evaluated: 2025-12-13. Review status: criteria provided, single submitter. Criteria: Invitae Variant Classification Sherloc (09022015). Collection method: clinical testing. Allele origin: germline.
Comment: This sequence change replaces alanine, which is neutral and non-polar, with valine, which is neutral and non-polar, at codon 1306 of the IFT140 protein (p.Ala1306Val). This variant is present in population databases (rs750011683, gnomAD 0.009%). This variant has not been reported in the literature in individuals affected with IFT140-related conditions. Invitae Evidence Modeling of protein sequence and biophysical properties (such as structural, functional, and spatial information, amino acid conservation, physicochemical variation, residue mobility, and thermodynamic stability) has been performed for this missense variant. However, the output from this modeling did not meet the statistical confidence thresholds required to predict the impact of this variant on IFT140 protein function. In summary, the available evidence is currently insufficient to determine the role of this variant in disease. Therefore, it has been classified as a Variant of Uncertain Significance.